The following is an entry in ClinVar:

NM_000548.5(TSC2):c.3131+1G>A

Gene: TSC2 (TSC complex subunit 2; plus strand). Cytogenetic location: 16p13.3.
Variant type: single nucleotide variant.
Coding change: c.3131+1G>A on transcript NM_000548.5 (MANE Select); the canonical splice donor site of the intron after coding-DNA position 3131, G replaced by A.
Molecular consequence: splice donor variant.
Genome position (GRCh38, 1-based): chr16:2,079,197, G>A. VCF-style: chr16-2079197-G-A. GRCh37 (hg19) VCF-style: chr16-2129198-G-A.
Other names: c.1658+1G>A (NM_001406693.1, NM_001406690.1, NM_001406692.1 and 1 more transcripts); c.3092+1G>A (NM_001406667.1); c.3089+1G>A (NM_001406668.1); c.2531+1G>A (NM_001406680.1, NM_001406683.1, NM_001406682.1); c.2399+1G>A (NM_001406687.1, NM_001318831.2, NM_001406688.1); c.1787+1G>A (NM_001406689.1); c.1655+1G>A (NM_001406691.1, NM_001406697.1, NM_001406695.1 and 1 more transcripts); c.1397+1G>A (NM_001406698.1); and 18 more.
Identifiers: ClinVar variation 49244 (VCV000049244.15), dbSNP rs45506401, ClinGen allele CA018580.
Genomic context (GRCh38, chr16:2,079,197, plus strand): 5'-AACCTGTCTGGACATGATGGCTCGATACGTCTTCTCCAACTTCACGGCTGTCCCGAAGAG[G>A]TCCAGGCGGCACTACAGGGCTGGGCGGGCCTGCGGGAGCTCCACGGGCAAGCTGGGTTTC-3'

ClinVar aggregate classification (germline): Pathogenic. Review status: criteria provided, multiple submitters, no conflicts (2 of 4 stars). 5 submissions from 5 submitters: Pathogenic (4). 1 of the submissions does not count toward it. Last evaluated 2021-11-07.

Conditions:
Lymphangiomyomatosis (LAM). Also called: Lymphangioleiomyomatosis; Lymphangioleiomyomatosis, somatic. Identifiers: Orphanet 538, MedGen C0751674, MONDO:0011705, OMIM 606690.
Tuberous sclerosis 2 (TSC2). Identifiers: Orphanet 805, MedGen C1860707, MONDO:0013199, OMIM 613254.
Isolated focal cortical dysplasia type II (FCORD2). Also called: CORTICAL DYSPLASIA OF TAYLOR; Focal cortical dysplasia type II. Identifiers: Orphanet 268994, MedGen C1846385, MONDO:0011818, OMIM 607341, HP:0032051.
Tuberous sclerosis syndrome (TSC). Also called: Tuberous Sclerosis Complex; Tuberous sclerosis. Identifiers: Orphanet 805, MedGen C0041341, MONDO:0001734.

Submissions (5):

Genome-Nilou Lab
Classification: Pathogenic for Tuberous sclerosis 2. Last evaluated: 2021-11-07. Review status: criteria provided, single submitter. Criteria: ACMG Guidelines, 2015. Collection method: clinical testing. Allele origin: germline. Affected: no.

Labcorp Genetics (formerly Invitae), Labcorp
Classification: Pathogenic for Tuberous sclerosis 2. Last evaluated: 2019-04-03. Review status: criteria provided, single submitter. Criteria: Invitae Variant Classification Sherloc (09022015). Collection method: clinical testing. Allele origin: germline.
Comment: For these reasons, this variant has been classified as Pathogenic. Donor and acceptor splice site variants typically lead to a loss of protein function (PMID: 16199547), and loss-of-function variants in TSC2 are known to be pathogenic (PMID: 10205261, 17304050). Algorithms developed to predict the effect of sequence changes on RNA splicing suggest that this variant may disrupt the consensus splice site, but this prediction has not been confirmed by published transcriptional studies. This variant has been observed in several individuals affected with tuberous sclerosis (PMID: 15595939, 25782670). ClinVar contains an entry for this variant (Variation ID: 49244). This variant is not present in population databases (ExAC no frequency). This sequence change affects a donor splice site in intron 27 of the TSC2 gene. It is expected to disrupt RNA splicing and likely results in an absent or disrupted protein product.

GeneDx
Classification: Pathogenic. Last evaluated: 2016-01-18. Review status: criteria provided, single submitter. Criteria: GeneDx Variant Classification (06012015). Collection method: clinical testing. Allele origin: germline. Affected: yes.
Comment: The c.3131+1 G>A splice site variant in the TSC2 gene has been previously reported in association with tuberous sclerosis (Ali et al., 2005; Kwiatkowski et al., 2015; TSC2 LOVD) and is consistent with the diagnosis in this individual. It was not observed in approximately 6,500 individuals of European and African American ancestry in the NHLBI Exome Sequencing Project, indicating it is not a common benign variant in these populations. This pathogenic variant destroys the canonical splice donor site in intron 27, and is expected to cause abnormal gene splicing. Additionally, other canonical splicing variants in intron 27 have been reported in the Human Gene Mutation Database in association with tuberous sclerosis (Stenson et al., 2014).

Juno Genomics, Hangzhou Juno Genomics, Inc
Classification: Pathogenic for Isolated focal cortical dysplasia type II; Lymphangiomyomatosis; Tuberous sclerosis 2. Review status: criteria provided, single submitter. Criteria: ACMG Guidelines, 2015. Collection method: clinical testing. Allele origin: germline. Affected: yes.
Comment: Null variant in a gene where loss of function (LOF) is a known mechanism of disease.;Absent from controls (or at extremely low frequency if recessive) in Genome Aggregation Database, Exome Sequencing Project, 1000 Genomes Project, or Exome Aggregation Consortium.;The prevalence of the variant in affected individuals is significantly increased compared to the prevalence in controls.;Patient's phenotype or family history is highly specific for a disease with a single genetic etiology.;Assumed de novo, but without confirmation of paternity and maternity.

Tuberous sclerosis database (TSC2)
No classification provided. Condition: TSC. Review status: no classification provided. Criteria: Tuberous Sclerosis Database Assertion Criteria 2015. Collection method: curation. Allele origin: germline. Affected: yes. Not counted in ClinVar's aggregate classification.

Literature cited by the submitters: PubMed 16199547 (cited by Labcorp Genetics (formerly Invitae), Labcorp); PubMed 10205261 (cited by Labcorp Genetics (formerly Invitae), Labcorp); PubMed 17304050 (cited by Labcorp Genetics (formerly Invitae), Labcorp); PubMed 15595939 (cited by Labcorp Genetics (formerly Invitae), Labcorp); PubMed 25782670 (cited by Labcorp Genetics (formerly Invitae), Labcorp).